The following is an entry in ClinVar:

ClinVar aggregate classification (germline): Uncertain significance (1 of 4 stars; one submission).

Conditions:
Neurofibromatosis, type 1 (NF1). Also called: VON RECKLINGHAUSEN DISEASE; NEUROFIBROMATOSIS, TYPE I, SOMATIC; Peripheral type neurofibromatosis; Neurofibromatosis, type I. Identifiers: Orphanet 636, MedGen C0027831, MONDO:0018975, OMIM 162200. Disease mechanism: loss of function.

Submission:

Labcorp Genetics (formerly Invitae), Labcorp
Classification: Uncertain significance for Neurofibromatosis, type 1. Last evaluated: 2020-08-10. Review status: criteria provided, single submitter. Criteria: Invitae Variant Classification Sherloc (09022015). Collection method: clinical testing. Allele origin: germline.
Comment: In summary, the available evidence is currently insufficient to determine the role of this variant in disease. Therefore, it has been classified as a Variant of Uncertain Significance. Algorithms developed to predict the effect of sequence changes on RNA splicing suggest that this variant may create or strengthen a splice site, but this prediction has not been confirmed by published transcriptional studies. Advanced modeling of protein sequence and biophysical properties (such as structural, functional, and spatial information, amino acid conservation, physicochemical variation, residue mobility, and thermodynamic stability) performed at Invitae indicates that this missense variant is expected to disrupt NF1 protein function. This variant has not been reported in the literature in individuals with NF1-related conditions. This variant is not present in population databases (ExAC no frequency). This sequence change replaces cysteine with serine at codon 714 of the NF1 protein (p.Cys714Ser). The cysteine residue is moderately conserved and there is a moderate physicochemical difference between cysteine and serine.

NM_001042492.3(NF1):c.2140T>A (p.Cys714Ser)

Gene: NF1 (neurofibromin 1; plus strand). Cytogenetic location: 17q11.2.
Variant type: single nucleotide variant.
Coding change: c.2140T>A on transcript NM_001042492.3 (MANE Select); coding-DNA position 2140, T replaced by A.
Protein change: p.Cys714Ser; replaces cysteine 714 with serine.
Molecular consequence: missense variant.
Genome position (GRCh38, 1-based): chr17:31,226,573, T>A. VCF-style: chr17-31226573-T-A. GRCh37 (hg19) VCF-style: chr17-29553591-T-A.
Other names: c.2140T>A, p.Cys714Ser (NM_000267.4); short protein forms C714S.
Identifiers: ClinVar variation 1039287 (VCV001039287.5), dbSNP rs2067018640, ClinGen allele CA398982342.